The following is an entry in ClinVar:

ClinVar aggregate classification (germline): Uncertain significance (1 of 4 stars; one submission).

Allele frequency attached by ClinVar (database versions not stated): gnomAD exomes 0.00001; ExAC 0.00002.
gnomAD v4.1: 4 of 1,612,658 alleles (0.00025%); highest among the groups gnomAD compares: Admixed American, 0.0067%; no homozygotes.

Submission:

Labcorp Genetics (formerly Invitae), Labcorp
Classification: Uncertain significance. Last evaluated: 2022-02-03. Review status: criteria provided, single submitter. Criteria: Invitae Variant Classification Sherloc (09022015). Collection method: clinical testing. Allele origin: germline.
Comment: In summary, the available evidence is currently insufficient to determine the role of this variant in disease. Therefore, it has been classified as a Variant of Uncertain Significance. Algorithms developed to predict the effect of missense changes on protein structure and function output the following: SIFT: "Not Available"; PolyPhen-2: "Benign"; Align-GVGD: "Not Available". The serine amino acid residue is found in multiple mammalian species, which suggests that this missense change does not adversely affect protein function. This variant has not been reported in the literature in individuals affected with PNLIP-related conditions. This variant is present in population databases (rs764457647, gnomAD 0.009%). This sequence change replaces glycine, which is neutral and non-polar, with serine, which is neutral and polar, at codon 125 of the PNLIP protein (p.Gly125Ser).

NM_000936.4(PNLIP):c.373G>A (p.Gly125Ser)

Gene: PNLIP (pancreatic lipase; plus strand). Cytogenetic location: 10q25.3.
Variant type: single nucleotide variant.
Coding change: c.373G>A on transcript NM_000936.4 (MANE Select); coding-DNA position 373, G replaced by A.
Protein change: p.Gly125Ser; replaces glycine 125 with serine.
Molecular consequence: missense variant.
Genome position (GRCh38, 1-based): chr10:116,551,146, G>A. VCF-style: chr10-116551146-G-A. GRCh37 (hg19) VCF-style: chr10-118310658-G-A.
Other names: short protein forms G125S.
Identifiers: ClinVar variation 2092400 (VCV002092400.4), dbSNP rs764457647, ClinGen allele CA5706452.